The following is an entry in ClinVar:

ClinVar aggregate classification (germline): Conflicting classifications of pathogenicity. Review status: criteria provided, conflicting classifications (1 of 4 stars). 2 submissions from 2 submitters: Uncertain significance (1); Likely benign (1). Last evaluated 2026-06-18.

Conditions:
FLNB-related disorder. Also called: FLNB-related condition; FLNB-related disorders. Identifiers: MedGen CN381095.

Allele frequency attached by ClinVar (database versions not stated): gnomAD exomes 0.00007 and 0.00003; ExAC 0.00008; gnomAD 0.00001; TOPMed 0.00004.
gnomAD v4.1: 52 of 1,613,988 alleles (0.0032%); highest among the groups gnomAD compares: Admixed American, 0.015%; no homozygotes.

Submissions (2):

PreventionGenetics, part of Exact Sciences
Classification: Uncertain significance for FLNB-related condition. Last evaluated: 2026-06-18. Review status: criteria provided, single submitter. Criteria: ACMG Guidelines, 2015. Collection method: clinical testing. Allele origin: germline.
Comment: The FLNB c.7037G>A variant is predicted to result in the amino acid substitution p.Arg2346His. To our knowledge, this variant has not been reported in the literature. This variant is reported in 0.025% of alleles in individuals of Latino descent in gnomAD. At this time, the clinical significance of this variant is uncertain due to the absence of conclusive functional and genetic evidence.

Labcorp Genetics (formerly Invitae), Labcorp
Classification: Likely benign. Last evaluated: 2025-07-30. Review status: criteria provided, single submitter. Criteria: Invitae Variant Classification Sherloc (09022015). Collection method: clinical testing. Allele origin: germline.

NM_001457.4(FLNB):c.7037G>A (p.Arg2346His)

Genes: FLNB (filamin B; plus strand), FLNB-AS1 (FLNB antisense RNA 1; minus strand). Cytogenetic location: 3p14.3.
Variant type: single nucleotide variant.
Coding change: c.7037G>A on transcript NM_001457.4 (MANE Select); coding-DNA position 7037, G replaced by A.
Protein change: p.Arg2346His; replaces arginine 2346 with histidine.
Molecular consequence: missense variant. On other transcripts: non-coding transcript variant (1).
Genome position (GRCh38, 1-based): chr3:58,163,169, G>A. VCF-style: chr3-58163169-G-A. GRCh37 (hg19) VCF-style: chr3-58148896-G-A.
Other names: c.7037G>A (NM_001457.3); c.7130G>A, p.Arg2377His (NM_001164317.2); c.7004G>A, p.Arg2335His (NM_001164318.2); c.6965G>A, p.Arg2322His (NM_001164319.2); short protein forms R2322H, R2335H, R2346H, R2377H.
Identifiers: ClinVar variation 1134080 (VCV001134080.8), dbSNP rs758276000, ClinGen allele CA2469593.